The following is an entry in ClinVar:

NM_017613.4(DONSON):c.1354C>T (p.Arg452Trp)

Gene: DONSON (DNA replication fork stabilization factor DONSON; minus strand). Cytogenetic location: 21q22.11.
Variant type: single nucleotide variant.
Coding change: c.1354C>T on transcript NM_017613.4 (MANE Select); coding-DNA position 1354, C replaced by T.
Protein change: p.Arg452Trp; replaces arginine 452 with tryptophan.
Molecular consequence: missense variant.
Genome position (GRCh38, 1-based): chr21:33,579,559, G>A on the plus strand (C>T on the coding strand, the complement: DONSON is on the minus strand). VCF-style: chr21-33579559-G-A. GRCh37 (hg19) VCF-style: chr21-34951865-G-A.
Other names: c.1354C>T (NM_017613.2); short protein forms R452W.
Identifiers: ClinVar variation 1930641 (VCV001930641.6), dbSNP rs751675539, ClinGen allele CA10010330.

ClinVar aggregate classification (germline): Uncertain significance. Review status: criteria provided, multiple submitters, no conflicts (2 of 4 stars). 2 submissions from 2 submitters: Uncertain significance (2). Last evaluated 2025-11-03.

Conditions:
Inborn genetic diseases. Identifiers: MedGen C0950123, MeSH D030342.

Allele frequency attached by ClinVar (database versions not stated): ExAC 0.00001; gnomAD exomes 0.00001; gnomAD 0.00002; TOPMed 0.00002.
gnomAD v4.1: 15 of 1,609,398 alleles (0.00093%); highest among the groups gnomAD compares: Admixed American, 0.0017%; no homozygotes.

Submissions (2):

Labcorp Genetics (formerly Invitae), Labcorp
Classification: Uncertain significance. Last evaluated: 2025-11-03. Review status: criteria provided, single submitter. Criteria: Invitae Variant Classification Sherloc (09022015). Collection method: clinical testing. Allele origin: germline.
Comment: This sequence change replaces arginine, which is basic and polar, with tryptophan, which is neutral and slightly polar, at codon 452 of the DONSON protein (p.Arg452Trp). This variant is present in population databases (rs751675539, gnomAD 0.007%). This variant has not been reported in the literature in individuals affected with DONSON-related conditions. ClinVar contains an entry for this variant (Variation ID: 1930641). An algorithm developed to predict the effect of missense changes on protein structure and function (PolyPhen-2) suggests that this variant is likely to be disruptive. In summary, the available evidence is currently insufficient to determine the role of this variant in disease. Therefore, it has been classified as a Variant of Uncertain Significance.

Ambry Genetics
Classification: Uncertain significance for Inborn genetic diseases. Last evaluated: 2025-08-26. Review status: criteria provided, single submitter. Criteria: Ambry Variant Classification Scheme 2023. Collection method: clinical testing. Allele origin: germline.